The following is an entry in ClinVar:

ClinVar aggregate classification (germline): Uncertain significance (1 of 4 stars; one submission).

Conditions:
ACTN1-related disorder. Also called: ACTN1-related condition.

Submission:

PreventionGenetics, part of Exact Sciences
Classification: Uncertain significance for ACTN1-related condition. Last evaluated: 2024-10-31. Review status: criteria provided, single submitter. Criteria: ACMG Guidelines, 2015. Collection method: clinical testing. Allele origin: germline.
Comment: The ACTN1 c.596A>C variant is predicted to result in the amino acid substitution p.Asp199Ala. To our knowledge, this variant has not been reported in the literature or in a large population database (gnomAD), indicating this variant is rare. At this time, the clinical significance of this variant is uncertain due to the absence of conclusive functional and genetic evidence.

NM_001130004.2(ACTN1):c.596A>C (p.Asp199Ala)

Gene: ACTN1 (actinin alpha 1; minus strand). Cytogenetic location: 14q24.1.
Variant type: single nucleotide variant.
Coding change: c.596A>C on transcript NM_001130004.2 (MANE Select); coding-DNA position 596, A replaced by C.
Protein change: p.Asp199Ala; replaces aspartic acid 199 with alanine.
Molecular consequence: missense variant. On other transcripts: 5 prime UTR variant (1).
Genome position (GRCh38, 1-based): chr14:68,904,735, T>G on the plus strand (A>C on the coding strand, the complement: ACTN1 is on the minus strand). VCF-style: chr14-68904735-T-G. GRCh37 (hg19) VCF-style: chr14-69371452-T-G.
Other names: c.596A>C, p.Asp199Ala (NM_001102.4, NM_001130005.2, NM_001411035.1 and 9 more transcripts); c.401A>C, p.Asp134Ala (NM_001411036.1, NM_001424026.1, NM_001424028.1); c.722A>C, p.Asp241Ala (NM_001424013.1); c.683A>C, p.Asp228Ala (NM_001424015.1); c.593A>C, p.Asp198Ala (NM_001424017.1); c.533A>C, p.Asp178Ala (NM_001424018.1, NM_001424020.1, NM_001424022.1); c.527A>C, p.Asp176Ala (NM_001424021.1); c.-315A>C (NM_001424030.1); short protein forms D178A, D241A, D176A, D199A, D198A, D134A, D228A.
Identifiers: ClinVar variation 4997312 (VCV004997312.1).